The following is an entry in ClinVar:

NM_001135254.2(PAX7):c.291G>A (p.Arg97=)

Gene: PAX7 (paired box 7; plus strand). Cytogenetic location: 1p36.13.
Variant type: single nucleotide variant.
Coding change: c.291G>A on transcript NM_001135254.2 (MANE Select); coding-DNA position 291, G replaced by A.
Protein change: p.Arg97=; no amino-acid change (arginine 97 retained).
Molecular consequence: synonymous variant.
Genome position (GRCh38, 1-based): chr1:18,634,508, G>A. VCF-style: chr1-18634508-G-A. GRCh37 (hg19) VCF-style: chr1-18961002-G-A.
Other names: c.291G>A, p.Arg97= (NM_002584.3, NM_013945.3).
Identifiers: ClinVar variation 3050695 (VCV003050695.2), dbSNP rs550466055, ClinGen allele CA645599.
Genomic context (GRCh38, chr1:18,634,508, plus strand): 5'-TGTCTCCCACGGCTGCGTCTCCAAGATTCTTTGCCGCTACCAGGAGACCGGGTCCATCCG[G>A]CCTGGGGCCATCGGCGGCAGCAAGCCCAGAGTGAGTGTCTTTGCCACAGAGGCTGGCAGC-3'
Protein context (NP_001128726.1, residues 87-107): LCRYQETGSI[Arg97=]PGAIGGSKPR

ClinVar aggregate classification (germline): Likely benign (0 of 4 stars; one submission).

Conditions:
PAX7-related disorder. Also called: PAX7-related condition.

Allele frequency attached by ClinVar (database versions not stated): gnomAD 0.00003; TOPMed 0.00003.
gnomAD v4.1: 7 of 1,613,940 alleles (0.00043%); highest among the groups gnomAD compares: African/African-American, 0.008%; no homozygotes.

Submission:

PreventionGenetics, part of Exact Sciences
Classification: Likely benign for PAX7-related condition. Last evaluated: 2022-05-31. Review status: no assertion criteria provided. Collection method: clinical testing. Allele origin: germline.
Comment: This variant is classified as likely benign based on ACMG/AMP sequence variant interpretation guidelines (Richards et al. 2015 PMID: 25741868, with internal and published modifications).